The following is an entry in ClinVar:

ClinVar aggregate classification (germline): Pathogenic (1 of 4 stars; one submission).

Conditions:
Bardet-Biedl syndrome 2 (BBS2). Identifiers: Orphanet 110, MedGen C2936863, MONDO:0014432, OMIM 615981.

Submission:

Natera, Inc.
Classification: Pathogenic for Bardet-Biedl syndrome type 2. Last evaluated: 2025-02-16. Review status: criteria provided, single submitter. Criteria: Natera Variant Classification Schema (03/2026). Collection method: clinical testing. Allele origin: germline.
Comment: The c.687T>G variant in BBS2 is a nonsense variant predicted to introduce a stop codon at amino acid 229. This variant is expected to result in nonsense mediated decay, truncation, or a dysfunctional protein product. This variant is rare in the general population with a frequency below the threshold expected for the associated phenotype(s). This variant has been observed in one or more individuals affected with the associated recessive disease, as either homozygous or compound heterozygous with a second variant (PMID: 38034494). Given the available evidence, this variant is classified as Pathogenic.

Literature cited by the submitters: PubMed 38034494.

NM_031885.5(BBS2):c.687T>G (p.Tyr229Ter)

Gene: BBS2 (Bardet-Biedl syndrome 2; minus strand). Cytogenetic location: 16q13.
Variant type: single nucleotide variant.
Coding change: c.687T>G on transcript NM_031885.5 (MANE Select); coding-DNA position 687, T replaced by G.
Protein change: p.Tyr229Ter; replaces tyrosine 229 with a stop codon.
Molecular consequence: nonsense. On other transcripts: non-coding transcript variant (5).
Genome position (GRCh38, 1-based): chr16:56,506,150, A>C on the plus strand (T>G on the coding strand, the complement: BBS2 is on the minus strand). VCF-style: chr16-56506150-A-C. GRCh37 (hg19) VCF-style: chr16-56540062-A-C.
Other names: c.687T>G, p.Tyr229Ter (NM_001377456.1); short protein forms Y229*.
Identifiers: ClinVar variation 4063771 (VCV004063771.2).